The following is an entry in ClinVar:

NM_023067.4(FOXL2):c.804dup (p.Gly269fs)

Gene: FOXL2 (forkhead box L2; minus strand). Cytogenetic location: 3q22.3.
Variant type: Duplication.
Coding change: c.804dup on transcript NM_023067.4 (MANE Select); coding-DNA position 804, one base duplicated (C; older notation c.804dupC).
Protein change: p.Gly269fs; shifts the reading frame from glycine 269.
Molecular consequence: frameshift variant.
Genome position (GRCh38, 1-based): chr3:138,945,919, G duplicated on the plus strand (C on the coding strand, the reverse complement: FOXL2 is on the minus strand); the first of 6 consecutive G bases (chr3:138,945,919-138,945,924); duplicating any one gives the same sequence. VCF-style (leftmost placement, unchanged base first): chr3-138945918-C-CG. GRCh37 (hg19) VCF-style: chr3-138664760-C-CG.
Other names: short protein forms G269fs.
Identifiers: ClinVar variation 4858 (VCV000004858.14), dbSNP rs797044528, ClinGen allele CA212818.
Genomic context (GRCh38, chr3:138,945,918, plus strand): 5'-GCGGCGGAGGCGGGGGTGCGGCCGGCGGGCCTCCCAGGCCATTGTACGAGTTCACTACGC[C>CG]GGGGGGCAGCGCCATGCTCTGCACGCGTGTGTACGGCCCGTACGAGGCGGCCGGGCCCGC-3'

ClinVar aggregate classification (germline): Pathogenic. Review status: criteria provided, multiple submitters, no conflicts (2 of 4 stars). 10 submissions from 9 submitters: Pathogenic (7). 3 of the submissions do not count toward it. Last evaluated 2024-06-10.

Conditions:
Inborn genetic diseases. Identifiers: MedGen C0950123, MeSH D030342.
BLEPHAROPHIMOSIS, PTOSIS, AND EPICANTHUS INVERSUS, TYPE I. Also called: BPES I; Blepharophimosis syndrome type 1; BPES with ovarian failure; Blepharophimosis, ptosis, and epicanthus inversus syndrome type 1. Identifiers: MedGen C2931135.
BLEPHAROPHIMOSIS, PTOSIS, AND EPICANTHUS INVERSUS, TYPE II (BPES II). Also called: Blepharophimosis syndrome type 2; BPES without premature ovarian failure; BPES without ovarian failure; Blepharophimosis, ptosis, and epicanthus inversus syndrome type 2. Identifiers: MedGen C2931136.
Premature ovarian failure 3 (POF3). Identifiers: MedGen C1837008, MONDO:0012169, OMIM 608996.
Blepharophimosis, ptosis, and epicanthus inversus syndrome. Identifiers: Orphanet 126, MedGen C0220663, MONDO:0007201, OMIM 110100.

Submissions (10):

Fulgent Genetics
Classification: Pathogenic for Blepharophimosis, ptosis, and epicanthus inversus syndrome; Premature ovarian failure 3. Last evaluated: 2024-06-10. Review status: criteria provided, single submitter. Criteria: ACMG Guidelines, 2015. Collection method: clinical testing. Allele origin: germline.

Ambry Genetics
Classification: Pathogenic for Inborn genetic diseases. Last evaluated: 2024-03-26. Review status: criteria provided, single submitter. Criteria: Ambry Variant Classification Scheme 2023. Collection method: clinical testing. Allele origin: germline.
Comment: The c.804dupC (p.G269Rfs*265) alteration, located in exon 1 (coding exon 1) of the FOXL2 gene, consists of a duplication of C at position 804, causing a translational frameshift with a predicted alternate stop codon after 265 amino acids. Frameshifts are typically deleterious in nature; however, because FOXL2 is a single-exon gene this alteration is not expected to trigger nonsense-mediated mRNA decay and an altered protein could still be expressed. This frameshift impacts the last 29% of the native protein and results in the elongation of the protein by 157 amino acids. The exact functional impact of these altered amino acids is unknown at this time. The FOXL2 c.804dupC alteration was flagged as a low confidence call in the Genome Aggregation Database (gnomAD). This variant has been reported in multiple individuals with blepharophimosis, ptosis, and epicanthus inversus syndrome (BPES), some of which also had a family history of BPES, and this variant was shown to segregate with disease in one family (Wang, 2007; Kaur, 2011; Bunyan, 2019). Based on the available evidence, this alteration is classified as pathogenic.

Labcorp Genetics (formerly Invitae), Labcorp
Classification: Pathogenic. Last evaluated: 2024-03-23. Review status: criteria provided, single submitter. Criteria: Invitae Variant Classification Sherloc (09022015). Collection method: clinical testing. Allele origin: germline.
Comment: This sequence change creates a premature translational stop signal (p.Gly269Argfs*265) in the FOXL2 gene. While this is not anticipated to result in nonsense mediated decay, it is expected to disrupt the last 108 amino acid(s) of the FOXL2 protein. The frequency data for this variant in the population databases is considered unreliable, as metrics indicate poor data quality at this position in the gnomAD database. This premature translational stop signal has been observed in individual(s) with blepharophimosis, ptosis, and epicanthus inversus syndrome (PMID: 17277738). ClinVar contains an entry for this variant (Variation ID: 4858). This variant disrupts a region of the FOXL2 protein in which other variant(s) (p.Ala304Hisfs*52) have been determined to be pathogenic (PMID: 11468277). This suggests that this is a clinically significant region of the protein, and that variants that disrupt it are likely to be disease-causing. For these reasons, this variant has been classified as Pathogenic.

Eurofins Ntd Llc (ga)
Classification: Pathogenic. Last evaluated: 2017-03-14. Review status: criteria provided, single submitter. Criteria: EGL Classification Definitions 2015. Collection method: clinical testing. Allele origin: germline. Observed: 1 variant allele, 1 heterozygote.

Wessex Regional Genetics Laboratory, Salisbury District Hospital
Classification: Pathogenic for Blepharophimosis, ptosis, and epicanthus inversus syndrome. Last evaluated: 2017-01-01. Review status: criteria provided, single submitter. Criteria: ACMG Guidelines, 2015. Collection method: clinical testing. Allele origin: de novo, paternal, unknown. Inheritance: Autosomal dominant inheritance. Affected: yes. Observed: 4 variant alleles.

Genomic Diagnostic Laboratory, Division of Genomic Diagnostics, Children's Hospital of Philadelphia
Classification: Pathogenic for Blepharophimosis, ptosis, and epicanthus inversus syndrome. Last evaluated: 2016-11-03. Review status: criteria provided, single submitter. Criteria: DGD Variant Analysis Guidelines. Collection method: clinical testing. Allele origin: germline. Affected: yes. Observed: 3 variant alleles.
Comment: Clinical Testing

Juno Genomics, Hangzhou Juno Genomics, Inc
Classification: Pathogenic for Blepharophimosis, ptosis, and epicanthus inversus syndrome; Premature ovarian failure 3. Review status: criteria provided, single submitter. Criteria: ACMG Guidelines, 2015. Collection method: clinical testing. Allele origin: germline. Affected: yes.
Comment: Null variant in a gene where loss of function (LOF) is a known mechanism of disease.;Absent from controls (or at extremely low frequency if recessive) in Genome Aggregation Database, Exome Sequencing Project, 1000 Genomes Project, or Exome Aggregation Consortium.;The prevalence of the variant in affected individuals is significantly increased compared to the prevalence in controls.;Assumed de novo, but without confirmation of paternity and maternity.;Patient's phenotype or family history is highly specific for a disease with a single genetic etiology.;Co-segregation with disease in multiple affected family members in a gene definitively known to cause the disease.

OMIM
Classification: Pathogenic for BLEPHAROPHIMOSIS, PTOSIS, AND EPICANTHUS INVERSUS, TYPE II. Last evaluated: 2003-02-01. Review status: no assertion criteria provided. Collection method: literature only. Allele origin: germline. Not counted in ClinVar's aggregate classification.

OMIM
Classification: Pathogenic for BLEPHAROPHIMOSIS, PTOSIS, AND EPICANTHUS INVERSUS, TYPE I. Last evaluated: 2003-02-01. Review status: no assertion criteria provided. Collection method: literature only. Allele origin: germline. Not counted in ClinVar's aggregate classification.

GeneReviews
No classification provided. Condition: Blepharophimosis, ptosis, and epicanthus inversus syndrome. Review status: no classification provided. Collection method: literature only. Allele origin: germline. Affected: yes. Not counted in ClinVar's aggregate classification.

Literature cited by the submitters: PubMed 17277738 (cited by Ambry Genetics and Labcorp Genetics (formerly Invitae), Labcorp); PubMed 21325395 (cited by Ambry Genetics); PubMed 31077882 (cited by Ambry Genetics); PubMed 33538981 (cited by Ambry Genetics); PubMed 11468277 (cited by Labcorp Genetics (formerly Invitae), Labcorp and OMIM); PubMed 12529855 (cited by OMIM); NCBI Bookshelf NBK1441 (cited by GeneReviews).